The following is an entry in ClinVar:

ClinVar aggregate classification (germline): Likely pathogenic. Review status: criteria provided, single submitter (1 of 4 stars). 2 submissions from 2 submitters: Likely pathogenic (1). 1 of the submissions does not count toward it. Last evaluated 2023-10-10.

Conditions:
LIPE-related familial partial lipodystrophy. Also called: Familial partial lipodystrophy 6; LIPODYSTROPHY, FAMILIAL PARTIAL, ASSOCIATED WITH LIPE MUTATIONS. Identifiers: Orphanet 435660, MedGen C4014869, MONDO:0014431, OMIM 615980.

gnomAD v4.1: 1 of 1,555,580 alleles (0.000064%); highest among the groups gnomAD compares: Non-Finnish European, 0.000087%; no homozygotes.

Submissions (2):

GeneDx
Classification: Likely pathogenic. Last evaluated: 2023-10-10. Review status: criteria provided, single submitter. Criteria: GeneDx Variant Classification Process June 2021. Collection method: clinical testing. Allele origin: germline. Affected: yes.
Comment: Not observed at significant frequency in large population cohorts (gnomAD); Nonsense variant predicted to result in protein truncation as the last 42 amino acids are lost, although loss-of-function variants have not been reported downstream of this position in the protein; This variant is associated with the following publications: (PMID: 27862896)

OMIM
Classification: Pathogenic for LIPODYSTROPHY, FAMILIAL PARTIAL, TYPE 6. Last evaluated: 2024-01-19. Review status: no assertion criteria provided. Collection method: literature only. Allele origin: germline. Not counted in ClinVar's aggregate classification.

Literature cited by the submitters: PubMed 27862896 (cited by OMIM).

NM_005357.4(LIPE):c.3103G>T (p.Glu1035Ter)

Genes: LIPE (lipase E, hormone sensitive type; minus strand), LIPE-AS1 (LIPE antisense RNA 1; plus strand), LOC101930071 (uncharacterized LOC101930071; plus strand). Cytogenetic location: 19q13.2.
Variant type: single nucleotide variant.
Coding change: c.3103G>T on transcript NM_005357.4 (MANE Select); coding-DNA position 3103, G replaced by T.
Protein change: p.Glu1035Ter; replaces glutamic acid 1035 with a stop codon.
Molecular consequence: nonsense.
Genome position (GRCh38, 1-based): chr19:42,401,940, C>A on the plus strand (G>T on the coding strand, the complement: LIPE is on the minus strand). VCF-style: chr19-42401940-C-A. GRCh37 (hg19) VCF-style: chr19-42906092-C-A.
Other names: c.3103G>T (NM_005357.2); short protein forms E1035*.
Identifiers: ClinVar variation 522594 (VCV000522594.4), dbSNP rs766817317, ClinGen allele CA406088308.
Genomic context (GRCh38, chr19:42,401,940, plus strand): 5'-CGGGAGGAGTGAGGACGAGGCGGATGCGCTCCACGCACAGCTCTGCGGCCTGGCGCGTCT[C>A]GCGGCACAGCGCCGCTAGGGTCAGGAAGCCGTGCGGCAGGTCCTCCACCACGCGCAGCGT-3'